The following is an entry in ClinVar:

NM_020433.5(JPH2):c.614T>A (p.Leu205Gln)

Gene: JPH2 (junctophilin 2; minus strand). Cytogenetic location: 20q13.12.
Variant type: single nucleotide variant.
Coding change: c.614T>A on transcript NM_020433.5 (MANE Select); coding-DNA position 614, T replaced by A.
Protein change: p.Leu205Gln; replaces leucine 205 with glutamine.
Molecular consequence: missense variant.
Genome position (GRCh38, 1-based): chr20:44,160,173, A>T on the plus strand (T>A on the coding strand, the complement: JPH2 is on the minus strand). VCF-style: chr20-44160173-A-T. GRCh37 (hg19) VCF-style: chr20-42788813-A-T.
Other names: short protein forms L205Q.
Identifiers: ClinVar variation 3531482 (VCV003531482.1).
Genomic context (GRCh38, chr20:44,160,173, plus strand): 5'-GCGCCCCGCTGGAAGAGGCCGCCGCCCTTGGGCGCCCGCGCGGCCGCCTCGGCATTGGCC[A>T]GGAGGCTGAGCGCGAAGCCGCCACGCGGGATGGCGGGCGAGGGCAGCGCGGGGCCGTCGG-3'
Protein context (NP_065166.2, residues 195-215): IPRGGFALSL[Leu205Gln]ANAEAAARAP

ClinVar aggregate classification (germline): Uncertain significance (1 of 4 stars; one submission).

Conditions:
Cardiovascular phenotype. Identifiers: MedGen CN230736.

Submission:

Ambry Genetics
Classification: Uncertain significance for Cardiovascular phenotype. Last evaluated: 2024-09-17. Review status: criteria provided, single submitter. Criteria: Ambry Variant Classification Scheme 2023. Collection method: clinical testing. Allele origin: germline.
Comment: The p.L205Q variant (also known as c.614T>A), located in coding exon 2 of the JPH2 gene, results from a T to A substitution at nucleotide position 614. The leucine at codon 205 is replaced by glutamine, an amino acid with dissimilar properties. This amino acid position is conserved. In addition, this alteration is predicted to be tolerated by in silico analysis. Based on the available evidence, the clinical significance of this variant remains unclear.